The following is an entry in ClinVar:

NM_001110556.2(FLNA):c.1528G>A (p.Ala510Thr)

Gene: FLNA (filamin A; minus strand). Cytogenetic location: Xq28.
Variant type: single nucleotide variant.
Coding change: c.1528G>A on transcript NM_001110556.2 (MANE Select); coding-DNA position 1528, G replaced by A.
Protein change: p.Ala510Thr; replaces alanine 510 with threonine.
Molecular consequence: missense variant.
Genome position (GRCh38, 1-based): chrX:154,365,388, C>T on the plus strand (G>A on the coding strand, the complement: FLNA is on the minus strand). VCF-style: chrX-154365388-C-T. GRCh37 (hg19) VCF-style: chrX-153593756-C-T.
Other names: c.1528G>A, p.Ala510Thr (NM_001456.4); short protein forms A510T.
Identifiers: ClinVar variation 657648 (VCV000657648.13), dbSNP rs782698277, ClinGen allele CA10561158.

ClinVar aggregate classification (germline): Conflicting classifications of pathogenicity. Review status: criteria provided, conflicting classifications (1 of 4 stars). 2 submissions from 2 submitters: Uncertain significance (1); Benign (1). Last evaluated 2022-11-22.

Conditions:
Frontometaphyseal dysplasia (FMD1). Identifiers: Orphanet 1826, MedGen C0265293, MONDO:0015942.
Oto-palato-digital syndrome, type II (OPD2). Also called: FACIOPALATOOSSEOUS SYNDROME; Otopalatodigital Syndrome, Type II; Otopalatodigital Syndrome Type 2 (FLNA-OPD2); OPD II SYNDROME. Identifiers: Orphanet 669, Orphanet 90652, MedGen C1844696, MONDO:0010571, OMIM 304120.
Heterotopia, periventricular, X-linked dominant (PVNH1). Also called: PERIVENTRICULAR NODULAR HETEROTOPIA 4; HETEROTOPIA, PERIVENTRICULAR, 1; PERIVENTRICULAR NODULAR HETEROTOPIA 1; X-linked periventricular heterotopia. Identifiers: Orphanet 2149, Orphanet 82004, MedGen C1848213, MONDO:0010233, OMIM 300049.
Melnick-Needles syndrome (MNS). Also called: Melnick-Needles Syndrome (FLNA-MNS); MELNICK-NEEDLES OSTEODYSPLASTY; OSTEODYSPLASTY OF MELNICK AND NEEDLES. Identifiers: Orphanet 2484, MedGen C0025237, MONDO:0010650, OMIM 309350.

Allele frequency attached by ClinVar (database versions not stated): gnomAD exomes below 0.00001; TOPMed 0.00001; gnomAD 0.00002.
gnomAD v4.1: 7 of 1,210,664 alleles (0.00058%); highest among the groups gnomAD compares: Admixed American, 0.0043%; no homozygotes.

Submissions (2):

Labcorp Genetics (formerly Invitae), Labcorp
Classification: Benign for Oto-palato-digital syndrome, type II; Heterotopia, periventricular, X-linked dominant; Frontometaphyseal dysplasia; Melnick-Needles syndrome. Last evaluated: 2022-11-22. Review status: criteria provided, single submitter. Criteria: Invitae Variant Classification Sherloc (09022015). Collection method: clinical testing. Allele origin: germline.

GeneDx
Classification: Uncertain significance. Last evaluated: 2022-10-06. Review status: criteria provided, single submitter. Criteria: GeneDx Variant Classification Process June 2021. Collection method: clinical testing. Allele origin: germline. Affected: yes.
Comment: The variant was also identified in the individual's asymptomatic mother and sister (Shelmerdine et al., 2017); In silico analysis supports that this missense variant has a deleterious effect on protein structure/function; This variant is associated with the following publications: (PMID: 30922288, 30547349, 28898549, 32494305)